The following is an entry in ClinVar:

ClinVar aggregate classification (germline): Benign/Likely benign. Review status: criteria provided, multiple submitters, no conflicts (2 of 4 stars). 3 submissions from 3 submitters: Benign (1); Likely benign (2). Last evaluated 2023-01-01.

Conditions:
CEDNIK syndrome. Also called: CEREBRAL DYSGENESIS, NEUROPATHY, ICHTHYOSIS, AND PALMOPLANTAR KERATODERMA SYNDROME; Cerebral dysgenesis, neuropathy, ichthyosis, and palmoplantar keratoderma. Identifiers: Orphanet 66631, MedGen C1836033, MONDO:0012290, OMIM 609528.

Allele frequency attached by ClinVar (database versions not stated): gnomAD exomes 0.00038; 1000 Genomes Project 30x 0.00328; gnomAD 0.00367 and 0.00396; 1000 Genomes Project 0.00379; TOPMed 0.00428.
gnomAD v4.1: 656 of 395,902 alleles (0.17%); highest among the groups gnomAD compares: African/African-American, 1.2%; 6 homozygotes.

Submissions (3):

CeGaT Center for Human Genetics Tuebingen
Classification: Benign. Last evaluated: 2023-01-01. Review status: criteria provided, single submitter. Criteria: CeGaT Center For Human Genetics Tuebingen Variant Classification Criteria Version 2. Collection method: clinical testing. Allele origin: germline. Affected: yes. Observed: 1 variant allele.
Comment: SNAP29: BS1, BS2

Illumina Laboratory Services, Illumina
Classification: Likely benign for CEDNIK syndrome. Last evaluated: 2018-01-13. Review status: criteria provided, single submitter. Criteria: ICSL Variant Classification Criteria 13 December 2019. Collection method: clinical testing. Allele origin: germline.
Comment: This variant was observed in the ICSL laboratory as part of a predisposition screen in an ostensibly healthy population. It had not been previously curated by ICSL or reported in the Human Gene Mutation Database (HGMD: prior to June 1st, 2018), and was therefore a candidate for classification through an automated scoring system. Utilizing variant allele frequency, disease prevalence and penetrance estimates, and inheritance mode, an automated score was calculated to assess if this variant is too frequent to cause the disease. Based on the score and internal cut-off values, a variant classified as likely benign is not then subjected to further curation. The score for this variant resulted in a classification of likely benign for this disease.

Breakthrough Genomics
Classification: Likely benign. Review status: criteria provided, single submitter. Criteria: ACMG Guidelines, 2015. Collection method: not provided. Allele origin: germline. Inheritance: Autosomal recessive inheritance. Affected: yes.

NM_004782.4(SNAP29):c.*2277C>T

Gene: SNAP29 (synaptosome associated protein 29; plus strand). Cytogenetic location: 22q11.21.
Variant type: single nucleotide variant.
Coding change: c.*2277C>T on transcript NM_004782.4 (MANE Select); 2277 bases downstream of the stop codon, C replaced by T.
Molecular consequence: 3 prime UTR variant.
Genome position (GRCh38, 1-based): chr22:20,890,113, C>T. VCF-style: chr22-20890113-C-T. GRCh37 (hg19) VCF-style: chr22-21244401-C-T.
Identifiers: ClinVar variation 900254 (VCV000900254.29), dbSNP rs115923524, ClinGen allele CA322278509.
Genomic context (GRCh38, chr22:20,890,113, plus strand): 5'-GTTCAGACCCTCTCGTTCTACGTCCTGTGCTGAGGGGACTGTCCGTAAGCTACAGGACAG[C>T]GAGCTGGTCCTTTCTGCCACTTCTTCCCCACTCCCATGCCCAGGAAGGCCTGGTTGCTGA-3'